The following is an entry in ClinVar:

ClinVar aggregate classification (germline): Pathogenic. Review status: criteria provided, single submitter (1 of 4 stars). 2 submissions from 2 submitters: Pathogenic (1). 1 of the submissions does not count toward it. Last evaluated 2023-09-22.

Conditions:
Junctional epidermolysis bullosa gravis of Herlitz. Also called: Epidermolysis Bullosa Letalis; EPIDERMOLYSIS BULLOSA, JUNCTIONAL 1B, SEVERE; Herlitz-type junctional epidermolysis bullosa; EPIDERMOLYSIS BULLOSA JUNCTIONALIS, HERLITZ TYPE; EPIDERMOLYSIS BULLOSA, JUNCTIONAL, HERLITZ-PEARSON TYPE; JEB-HERLITZ TYPE. Identifiers: Orphanet 79404, MedGen C0079683, MONDO:0009182, OMIM 226700.

Allele frequency attached by ClinVar (database versions not stated): TOPMed below 0.00001; ExAC 0.00002; gnomAD exomes 0.00002 and 0.00003.

Submissions (2):

Labcorp Genetics (formerly Invitae), Labcorp
Classification: Pathogenic. Last evaluated: 2023-09-22. Review status: criteria provided, single submitter. Criteria: Invitae Variant Classification Sherloc (09022015). Collection method: clinical testing. Allele origin: germline.
Comment: For these reasons, this variant has been classified as Pathogenic. ClinVar contains an entry for this variant (Variation ID: 295120). This premature translational stop signal has been observed in individual(s) with clinical features of autosomal recessive junctional epidermolysis bullosa (PMID: 11023379). This variant is present in population databases (rs763559509, gnomAD 0.004%). This sequence change creates a premature translational stop signal (p.Phe327Leufs*69) in the LAMB3 gene. It is expected to result in an absent or disrupted protein product. Loss-of-function variants in LAMB3 are known to be pathogenic (PMID: 11023379, 16473856).

Counsyl
Classification: Likely pathogenic for Junctional epidermolysis bullosa gravis of Herlitz. Last evaluated: 2016-09-14. Review status: no assertion criteria provided. Collection method: clinical testing. Allele origin: unknown. Not counted in ClinVar's aggregate classification.

Literature cited by the submitters: PubMed 11023379 (cited by Labcorp Genetics (formerly Invitae), Labcorp and Counsyl); PubMed 16473856 (cited by Labcorp Genetics (formerly Invitae), Labcorp).

NM_000228.3(LAMB3):c.978del (p.Phe327fs)

Gene: LAMB3 (laminin subunit beta 3; minus strand). Cytogenetic location: 1q32.2.
Variant type: Deletion.
Coding change: c.978del on transcript NM_000228.3 (MANE Select); coding-DNA position 978, one base deleted (C; older notation c.978delC).
Protein change: p.Phe327fs; shifts the reading frame from phenylalanine 327.
Molecular consequence: frameshift variant.
Genome position (GRCh38, 1-based): chr1:209,629,891, G deleted on the plus strand (C on the coding strand, the reverse complement: LAMB3 is on the minus strand). VCF-style (leftmost placement, unchanged base first): chr1-209629890-AG-A. GRCh37 (hg19) VCF-style: chr1-209803235-AG-A.
Other names: c.978del, p.Phe327fs (NM_001017402.2, NM_001127641.1); short protein forms F327fs.
Identifiers: ClinVar variation 295120 (VCV000295120.12), dbSNP rs763559509, ClinGen allele CA1375727.